The following is an entry in ClinVar:

NM_032043.3(BRIP1):c.1629-3T>G

Gene: BRIP1 (BRCA1 interacting DNA helicase 1; minus strand). Cytogenetic location: 17q23.2.
Variant type: single nucleotide variant.
Coding change: c.1629-3T>G on transcript NM_032043.3 (MANE Select); 3 bases into the intron before coding-DNA position 1629, T replaced by G.
Molecular consequence: intron variant.
Genome position (GRCh38, 1-based): chr17:61,781,008, A>C on the plus strand (T>G on the coding strand, the complement: BRIP1 is on the minus strand). VCF-style: chr17-61781008-A-C. GRCh37 (hg19) VCF-style: chr17-59858369-A-C.
Identifiers: ClinVar variation 2921306 (VCV002921306.3), dbSNP rs587780828, ClinGen allele CA2740093861.
Genomic context (GRCh38, chr17:61,781,008, plus strand): 5'-AATCTGATTTGTCCAGGAGTAAGTCTGTTGAATCGCAATTTTATAATCATCTGCAAATCT[A>C]GATGCAAAGAAAGTGCTAATTAAGTGGCAAAACTTTTAAAACCTATGACCCAGCTACATA-3'

ClinVar aggregate classification (germline): Uncertain significance (1 of 4 stars; one submission).

Conditions:
Fanconi anemia complementation group J. Also called: BRIP1-Related Fanconi Anemia. Identifiers: Orphanet 84, MedGen C1836860, MONDO:0012187, OMIM 609054.
Familial cancer of breast. Also called: hereditary breast carcinoma; BREAST CANCER, FAMILIAL; Hereditary breast cancer. Identifiers: Orphanet 227535, MedGen C0346153, MONDO:0016419, OMIM 114480. Disease mechanism: loss of function.

Submission:

Labcorp Genetics (formerly Invitae), Labcorp
Classification: Uncertain significance for Familial cancer of breast; Fanconi anemia complementation group J. Last evaluated: 2023-12-11. Review status: criteria provided, single submitter. Criteria: Invitae Variant Classification Sherloc (09022015). Collection method: clinical testing. Allele origin: germline.
Comment: This sequence change falls in intron 11 of the BRIP1 gene. It does not directly change the encoded amino acid sequence of the BRIP1 protein. It affects a nucleotide within the consensus splice site. This variant is not present in population databases (gnomAD no frequency). This variant has not been reported in the literature in individuals affected with BRIP1-related conditions. Variants that disrupt the consensus splice site are a relatively common cause of aberrant splicing (PMID: 17576681, 9536098). Algorithms developed to predict the effect of sequence changes on RNA splicing suggest that this variant may disrupt the consensus splice site. In summary, the available evidence is currently insufficient to determine the role of this variant in disease. Therefore, it has been classified as a Variant of Uncertain Significance.

Literature cited by the submitters: PubMed 17576681; PubMed 9536098.